The following is an entry in ClinVar:

ClinVar aggregate classification (germline): Uncertain significance. Review status: criteria provided, multiple submitters, no conflicts (2 of 4 stars). 4 submissions from 4 submitters: Uncertain significance (4). Last evaluated 2025-09-29.

Conditions:
Familial adenomatous polyposis 1 (FAP1). Also called: FAMILIAL ADENOMATOUS POLYPOSIS 1, ATTENUATED; POLYPOSIS, ADENOMATOUS INTESTINAL. Identifiers: MedGen C2713442, MONDO:0021056, OMIM 175100. Disease mechanism: loss of function.
Desmoid disease, hereditary (DESMD). Also called: FIBROMATOSIS, FAMILIAL INFILTRATIVE. Identifiers: Orphanet 873, MedGen C1851124, OMIM 135290. Disease mechanism: loss of function.
Colorectal cancer. Also called: Colorectal cancer, somatic; Malignant Colorectal Neoplasm. Identifiers: MedGen C0346629, MONDO:0005575, OMIM 114500.
Gastric adenocarcinoma and proximal polyposis of the stomach (GAPPS). Also called: POLYPOSIS, GASTRIC; Polyposis, gastric, Dos Santos and de Magalhaes 1980; Gastric Adenocarcinoma and Proximal Polyposis of the Stomach (GAPPS). Identifiers: Orphanet 314022, MedGen C4749917, MONDO:0017790, OMIM 619182.
Hepatocellular carcinoma (HCC). Also called: HEPATOMA; LIVER CELL CARCINOMA; Primary carcinoma of liver. Identifiers: Orphanet 88673, MedGen C2239176, MONDO:0007256, OMIM 114550, HP:0001402.
Gastric cancer. Also called: Stomach cancer; Malignant tumor of stomach. Identifiers: MedGen C0024623, MeSH D013274, MONDO:0001056, OMIM 613659, HP:0012126.
Hereditary cancer-predisposing syndrome. Also called: Hereditary neoplastic syndrome; Neoplastic Syndromes, Hereditary; Hereditary Cancer Syndrome; Tumor predisposition. Identifiers: Orphanet 140162, MedGen C0027672, MeSH D009386, MONDO:0015356.

Allele frequency attached by ClinVar (database versions not stated): TOPMed below 0.00001; gnomAD 0.00001.
gnomAD v4.1: 1 of 1,613,214 alleles (0.000062%); highest among the groups gnomAD compares: Non-Finnish European, 0.000085%; no homozygotes.

Submissions (4):

Ambry Genetics
Classification: Uncertain significance for Hereditary cancer-predisposing syndrome. Last evaluated: 2025-09-29. Review status: criteria provided, single submitter. Criteria: Ambry Variant Classification Scheme 2023. Collection method: clinical testing. Allele origin: germline.
Comment: The p.L529F variant (also known as c.1585C>T), located in coding exon 12 of the APC gene, results from a C to T substitution at nucleotide position 1585. The leucine at codon 529 is replaced by phenylalanine, an amino acid with highly similar properties. This variant was detected in a cohort of 224 patients who were received for MMR and/or FAP gene molecular testing (Rey JM et al. J Mol Diagn, 2017 Jul;19:589-601). This amino acid position is well conserved in available vertebrate species. In addition, in silico predictors for this gene do not accurately predict pathogenicity. Missense alterations in APC are not a common cause of disease (Spier I et al. Genet Med. 2024 Feb;26(2):100992). Based on the available evidence, the clinical significance of this variant remains unclear.

Fulgent Genetics
Classification: Uncertain significance for Colorectal cancer; Hepatocellular carcinoma; Desmoid disease, hereditary; Familial adenomatous polyposis 1; Gastric cancer; Gastric adenocarcinoma and proximal polyposis of the stomach. Last evaluated: 2024-02-16. Review status: criteria provided, single submitter. Criteria: ACMG Guidelines, 2015. Collection method: clinical testing. Allele origin: germline.

Labcorp Genetics (formerly Invitae), Labcorp
Classification: Uncertain significance for Familial adenomatous polyposis 1. Last evaluated: 2022-12-23. Review status: criteria provided, single submitter. Criteria: Invitae Variant Classification Sherloc (09022015). Collection method: clinical testing. Allele origin: germline.
Comment: In summary, the available evidence is currently insufficient to determine the role of this variant in disease. Therefore, it has been classified as a Variant of Uncertain Significance. Advanced modeling of protein sequence and biophysical properties (such as structural, functional, and spatial information, amino acid conservation, physicochemical variation, residue mobility, and thermodynamic stability) performed at Invitae indicates that this missense variant is not expected to disrupt APC protein function. ClinVar contains an entry for this variant (Variation ID: 928283). This variant has not been reported in the literature in individuals affected with APC-related conditions. This variant is not present in population databases (gnomAD no frequency). This sequence change replaces leucine, which is neutral and non-polar, with phenylalanine, which is neutral and non-polar, at codon 529 of the APC protein (p.Leu529Phe).

Color Diagnostics, LLC DBA Color Health
Classification: Uncertain significance for Hereditary cancer-predisposing syndrome. Last evaluated: 2019-12-05. Review status: criteria provided, single submitter. Criteria: ACMG Guidelines, 2015. Collection method: clinical testing. Allele origin: germline.
Comment: This missense variant replaces leucine with phenylalanine at codon 529 of the APC protein. Computational prediction suggests that this variant may have deleterious impact on protein structure and function (internally defined REVEL score threshold >= 0.7, PMID: 27666373). Splice site prediction tools suggest that this variant may not impact RNA splicing. To our knowledge, functional studies have not been performed for this variant. This variant has not been reported in individuals affected with hereditary cancer in the literature. This variant has not been identified in the general population by the Genome Aggregation Database (gnomAD). The available evidence is insufficient to determine the role of this variant in disease conclusively. Therefore, this variant is classified as a Variant of Uncertain Significance.

Literature cited by the submitters: PubMed 28502729 (cited by Ambry Genetics).

NM_000038.6(APC):c.1585C>T (p.Leu529Phe)

Gene: APC (APC regulator of Wnt signaling pathway; plus strand). Cytogenetic location: 5q22.2.
Variant type: single nucleotide variant.
Coding change: c.1585C>T on transcript NM_000038.6 (MANE Select); coding-DNA position 1585, C replaced by T.
Protein change: p.Leu529Phe; replaces leucine 529 with phenylalanine.
Molecular consequence: missense variant.
Genome position (GRCh38, 1-based): chr5:112,827,965, C>T. VCF-style: chr5-112827965-C-T. GRCh37 (hg19) VCF-style: chr5-112163662-C-T.
Other names: c.1585C>T, p.Leu529Phe (NM_001127510.3, NM_001354895.2); c.1531C>T, p.Leu511Phe (NM_001127511.3); c.1639C>T, p.Leu547Phe (NM_001354896.2); c.1615C>T, p.Leu539Phe (NM_001354897.2); c.1510C>T, p.Leu504Phe (NM_001354898.2); c.1501C>T, p.Leu501Phe (NM_001354899.2); c.1462C>T, p.Leu488Phe (NM_001354900.2); c.1408C>T, p.Leu470Phe (NM_001354901.2); and 5 more; short protein forms L369F, L511F, L529F, L246F, L438F, L470F, L501F, L403F.
Identifiers: ClinVar variation 928283 (VCV000928283.8), dbSNP rs1428025300, ClinGen allele CA16024771.
Genomic context (GRCh38, chr5:112,827,965, plus strand): 5'-CTCTATTCTGTATTTAATTTACAGGCTACGCTATGCTCTATGAAAGGCTGCATGAGAGCA[C>T]TTGTGGCCCAACTAAAATCTGAAAGTGAAGACTTACAGCAGGTACTATTTAGAATTTCAC-3'
Protein context (NP_000029.2, residues 519-539): LCSMKGCMRA[Leu529Phe]VAQLKSESED